The following is an entry in ClinVar:

NM_000179.3(MSH6):c.1581G>T (p.Leu527=)

Gene: MSH6 (mutS homolog 6; plus strand). Cytogenetic location: 2p16.3.
Variant type: single nucleotide variant.
Coding change: c.1581G>T on transcript NM_000179.3 (MANE Select); coding-DNA position 1581, G replaced by T.
Protein change: p.Leu527=; no amino-acid change (leucine 527 retained).
Molecular consequence: synonymous variant.
Genome position (GRCh38, 1-based): chr2:47,799,564, G>T. VCF-style: chr2-47799564-G-T. GRCh37 (hg19) VCF-style: chr2-48026703-G-T.
Other names: c.1191G>T, p.Leu397= (NM_001281492.2); c.675G>T, p.Leu225= (NM_001281493.2, NM_001281494.2).
Identifiers: ClinVar variation 416186 (VCV000416186.12), dbSNP rs775618855, ClinGen allele CA16610970.

ClinVar aggregate classification (germline): Benign/Likely benign. Review status: criteria provided, multiple submitters, no conflicts (2 of 4 stars). 2 submissions from 2 submitters: Benign (1); Likely benign (1). Last evaluated 2024-12-27.

Conditions:
Hereditary nonpolyposis colorectal neoplasms. Identifiers: MedGen C0009405, MeSH D003123.
Lynch syndrome 5 (LYNCH5). Also called: Hereditary non-polyposis colorectal cancer, type 5; Colorectal cancer, hereditary nonpolyposis, type 5. Identifiers: Orphanet 144, MedGen C1833477, MONDO:0013710, OMIM 614350. Disease mechanism: loss of function.

Submissions (2):

Myriad Genetics, Inc.
Classification: Benign for Lynch syndrome 5. Last evaluated: 2024-12-27. Review status: criteria provided, single submitter. Criteria: Myriad Autosomal Dominant, Autosomal Recessive and X-Linked Classification Criteria (2023). Collection method: clinical testing. Allele origin: unknown.
Comment: This variant is considered benign. This variant is a silent/synonymous amino acid change and it is not expected to impact splicing.

Labcorp Genetics (formerly Invitae), Labcorp
Classification: Likely benign for Hereditary nonpolyposis colorectal neoplasms. Last evaluated: 2024-06-05. Review status: criteria provided, single submitter. Criteria: Invitae Variant Classification Sherloc (09022015). Collection method: clinical testing. Allele origin: germline.